The following is an entry in ClinVar:

NM_006371.5(CRTAP):c.621A>T (p.Glu207Asp)

Gene: CRTAP (cartilage associated protein; plus strand). Cytogenetic location: 3p22.3.
Variant type: single nucleotide variant.
Coding change: c.621A>T on transcript NM_006371.5 (MANE Select); coding-DNA position 621, A replaced by T.
Protein change: p.Glu207Asp; replaces glutamic acid 207 with aspartic acid.
Molecular consequence: missense variant. On other transcripts: intron variant (1).
Genome position (GRCh38, 1-based): chr3:33,120,493, A>T. VCF-style: chr3-33120493-A-T. GRCh37 (hg19) VCF-style: chr3-33161985-A-T.
Other names: c.621A>T, p.Glu207Asp (NM_001393363.1, NM_001393364.1); c.472-3915A>T (NM_001393365.1); short protein forms E207D.
Identifiers: ClinVar variation 2186066 (VCV002186066.1), dbSNP rs1390874439, ClinGen allele CA352009261.

ClinVar aggregate classification (germline): Uncertain significance (1 of 4 stars; one submission).

Conditions:
Osteogenesis imperfecta type 7 (OI7). Also called: OSTEOGENESIS IMPERFECTA, TYPE IIB; Osteogenesis imperfecta type 2B; OI type 2B; Osteogenesis imperfecta, perinatal lethal autosomal recessive; OI type IIB; OI type 7. Identifiers: MedGen C1853162, MONDO:0012536, OMIM 610682.

Allele frequency attached by ClinVar (database versions not stated): gnomAD 0.00002; gnomAD exomes 0.00002.
gnomAD v4.1: 31 of 1,608,046 alleles (0.0019%); highest among the groups gnomAD compares: Non-Finnish European, 0.0025%; no homozygotes.

Submission:

Labcorp Genetics (formerly Invitae), Labcorp
Classification: Uncertain significance for Osteogenesis imperfecta type 7. Last evaluated: 2022-06-23. Review status: criteria provided, single submitter. Criteria: Invitae Variant Classification Sherloc (09022015). Collection method: clinical testing. Allele origin: germline.
Comment: This sequence change replaces glutamic acid, which is acidic and polar, with aspartic acid, which is acidic and polar, at codon 207 of the CRTAP protein (p.Glu207Asp). This variant is present in population databases (no rsID available, gnomAD 0.006%). This variant has not been reported in the literature in individuals affected with CRTAP-related conditions. Algorithms developed to predict the effect of missense changes on protein structure and function are either unavailable or do not agree on the potential impact of this missense change (SIFT: "Deleterious"; PolyPhen-2: "Benign"; Align-GVGD: "Class C0"). In summary, the available evidence is currently insufficient to determine the role of this variant in disease. Therefore, it has been classified as a Variant of Uncertain Significance.